The following is an entry in ClinVar:

NM_001045.6(SLC6A4):c.1273A>G (p.Ile425Val)

Gene: SLC6A4 (solute carrier family 6 member 4; minus strand). Cytogenetic location: 17q11.2.
Variant type: single nucleotide variant.
Coding change: c.1273A>G on transcript NM_001045.6 (MANE Select); coding-DNA position 1273, A replaced by G.
Protein change: p.Ile425Val; replaces isoleucine 425 with valine.
Molecular consequence: missense variant.
Genome position (GRCh38, 1-based): chr17:30,211,356, T>C on the plus strand (A>G on the coding strand, the complement: SLC6A4 is on the minus strand). VCF-style: chr17-30211356-T-C. GRCh37 (hg19) VCF-style: chr17-28538374-T-C.
Other names: short protein forms I425V.
Identifiers: ClinVar variation 12935 (VCV000012935.5), dbSNP rs28914832, ClinGen allele CA122788.
Genomic context (GRCh38, chr17:30,211,356, plus strand): 5'-CTTCCCATTTCCTCACCGTGCTGTCCAAGCCCAGCGTGATTAACATCAGAAAGAAGATGA[T>C]GGCAAAGAAAGTGGACGCTGGCATGTTGGCTATCGCTTCTGCATACGTGATGAAGAGGAG-3'
Protein context (NP_001036.1, residues 415-435): ANMPASTFFA[Ile425Val]IFFLMLITLG

ClinVar aggregate classification (germline): Uncertain significance. Review status: criteria provided, single submitter (1 of 4 stars). 2 submissions from 2 submitters: Uncertain significance (1). 1 of the submissions does not count toward it. Last evaluated 2017-04-27.

Conditions:
Behavior disorder. Also called: Behavioral disorder. Identifiers: MedGen C0004930.
Obsessive-compulsive disorder, susceptibility to.

Allele frequency attached by ClinVar (database versions not stated): 1000 Genomes Project 30x 0.00016; 1000 Genomes Project 0.00020; TOPMed 0.00068; gnomAD 0.00070 and 0.00073; ExAC 0.00073; gnomAD exomes 0.00074.
gnomAD v4.1: 1,321 of 1,613,638 alleles (0.082%); highest among the groups gnomAD compares: Admixed American, 0.09%; no homozygotes.

Submissions (2):

Illumina Laboratory Services, Illumina
Classification: Uncertain significance for Behavior disorder. Last evaluated: 2017-04-27. Review status: criteria provided, single submitter. Criteria: ICSL Variant Classification Criteria 13 December 2019. Collection method: clinical testing. Allele origin: germline.
Comment: This variant was observed as part of a predisposition screen in an ostensibly healthy population. A literature search was performed for the gene, cDNA change, and amino acid change (where applicable). Publications were found based on this search. However, the evidence from the literature, in combination with allele frequency data from public databases where available, was not sufficient to rule this variant in or out of causing disease. Therefore, this variant is classified as a variant of unknown significance.

OMIM
Classification: risk factor for OBSESSIVE-COMPULSIVE DISORDER, SUSCEPTIBILITY TO. Last evaluated: 2003-11-01. Review status: no assertion criteria provided. Collection method: literature only. Allele origin: germline. Not counted in ClinVar's aggregate classification.

Literature cited by the submitters: PubMed 12869649 (cited by Illumina Laboratory Services, Illumina and OMIM); PubMed 15995945 (cited by Illumina Laboratory Services, Illumina); PubMed 14593431 (cited by Illumina Laboratory Services, Illumina and OMIM).